The following is an entry in ClinVar:

NM_030958.3(SLCO5A1):c.1040+1G>A

Gene: SLCO5A1 (solute carrier organic anion transporter family member 5A1; minus strand). Cytogenetic location: 8q13.3.
Variant type: single nucleotide variant.
Coding change: c.1040+1G>A on transcript NM_030958.3 (MANE Select); the canonical splice donor site of the intron after coding-DNA position 1040, G replaced by A.
Molecular consequence: splice donor variant.
Genome position (GRCh38, 1-based): chr8:69,761,742, C>T on the plus strand (G>A on the coding strand, the complement: SLCO5A1 is on the minus strand). VCF-style: chr8-69761742-C-T. GRCh37 (hg19) VCF-style: chr8-70673977-C-T.
Other names: c.1040+1G>A (NM_001146008.2, NM_001146009.1).
Identifiers: ClinVar variation 3706598 (VCV003706598.2).
Genomic context (GRCh38, chr8:69,761,742, plus strand): 5'-ACCATGACTTTAACTATTATTAGTAAGAACTGAAATTTAAAAATTAGAAAACAGAACTTA[C>T]CAGTTTCCAATGAAACGAGGGTCATTCTGGTCAAGGTGAACAGGATTTCTGGGATCAACA-3'

ClinVar aggregate classification (germline): Uncertain significance (1 of 4 stars; one submission).

gnomAD v4.1: 2 of 1,612,926 alleles (0.00012%); highest among the groups gnomAD compares: Non-Finnish European, 0.00017%; no homozygotes.

Submission:

Labcorp Genetics (formerly Invitae), Labcorp
Classification: Uncertain significance. Last evaluated: 2024-08-02. Review status: criteria provided, single submitter. Criteria: Invitae Variant Classification Sherloc (09022015). Collection method: clinical testing. Allele origin: germline.
Comment: This sequence change affects a donor splice site in intron 3 of the SLCO5A1 gene. It is expected to disrupt RNA splicing. Variants that disrupt the donor or acceptor splice site typically lead to a loss of protein function (PMID: 16199547), however the current clinical and genetic evidence is not sufficient to establish whether loss-of-function variants in SLCO5A1 cause disease. This variant is present in population databases (rs750192477, gnomAD 0.0009%). This variant has not been reported in the literature in individuals affected with SLCO5A1-related conditions. Algorithms developed to predict the effect of sequence changes on RNA splicing suggest that this variant may disrupt the consensus splice site. In summary, the available evidence is currently insufficient to determine the role of this variant in disease. Therefore, it has been classified as a Variant of Uncertain Significance.

Literature cited by the submitters: PubMed 16199547.